The following is an entry in ClinVar:

NM_005921.2(MAP3K1):c.963G>A (p.Gln321=)

Gene: MAP3K1 (mitogen-activated protein kinase kinase kinase 1; plus strand). Cytogenetic location: 5q11.2.
Variant type: single nucleotide variant.
Coding change: c.963G>A on transcript NM_005921.2 (MANE Select); coding-DNA position 963, G replaced by A.
Protein change: p.Gln321=; no amino-acid change (glutamine 321 retained).
Molecular consequence: synonymous variant.
Genome position (GRCh38, 1-based): chr5:56,864,862, G>A. VCF-style: chr5-56864862-G-A. GRCh37 (hg19) VCF-style: chr5-56160689-G-A.
Identifiers: ClinVar variation 4977807 (VCV004977807.1).

ClinVar aggregate classification (germline): Likely benign (1 of 4 stars; one submission).

Conditions:
MAP3K1-related disorder. Also called: MAP3K1-related condition.

gnomAD v4.1: 64 of 1,614,086 alleles (0.004%); highest among the groups gnomAD compares: African/African-American, 0.076%; no homozygotes.

Submission:

PreventionGenetics, part of Exact Sciences
Classification: Likely benign for MAP3K1-related condition. Last evaluated: 2025-06-04. Review status: criteria provided, single submitter. Criteria: ACMG Guidelines, 2015. Collection method: clinical testing. Allele origin: germline.
Comment: This variant is classified as likely benign based on ACMG/AMP sequence variant interpretation guidelines (Richards et al. 2015 PMID: 25741868, with internal and published modifications).